The following is an entry in ClinVar:

ClinVar aggregate classification (germline): Uncertain significance (1 of 4 stars; one submission).

Conditions:
Autosomal recessive limb-girdle muscular dystrophy type 2J (LGMDR10). Also called: Limb-girdle muscular dystrophy, type 2J; MUSCULAR DYSTROPHY, LIMB-GIRDLE, AUTOSOMAL RECESSIVE 10. Identifiers: Orphanet 140922, MedGen C1837342, MONDO:0012127, OMIM 608807.
Dilated cardiomyopathy 1G (CMD1G). Identifiers: Orphanet 154, MedGen C1858763, MONDO:0011400, OMIM 604145.

Allele frequency attached by ClinVar (database versions not stated): TOPMed 0.00001.

Submission:

Labcorp Genetics (formerly Invitae), Labcorp
Classification: Uncertain significance for Dilated cardiomyopathy 1G; Autosomal recessive limb-girdle muscular dystrophy type 2J. Last evaluated: 2022-07-06. Review status: criteria provided, single submitter. Criteria: Invitae Variant Classification Sherloc (09022015). Collection method: clinical testing. Allele origin: germline.
Comment: This sequence change replaces phenylalanine, which is neutral and non-polar, with serine, which is neutral and polar, at codon 33892 of the TTN protein (p.Phe33892Ser). This variant is not present in population databases (gnomAD no frequency). This variant has not been reported in the literature in individuals affected with TTN-related conditions. ClinVar contains an entry for this variant (Variation ID: 653759). Experimental studies and prediction algorithms are not available or were not evaluated, and the functional significance of this variant is currently unknown. This variant is located in the M band of TTN (PMID: 25589632). Variants in this region may be relevant for neuromuscular disorders, but have not been definitively shown to cause cardiomyopathy (PMID: 23975875). In summary, the available evidence is currently insufficient to determine the role of this variant in disease. Therefore, it has been classified as a Variant of Uncertain Significance.

Literature cited by the submitters: PubMed 25589632; PubMed 23975875.

NM_001267550.2(TTN):c.101675T>C (p.Phe33892Ser)

Genes: TTN-AS1 (TTN antisense RNA 1; plus strand), TTN (titin; minus strand). Cytogenetic location: 2q31.2.
Variant type: single nucleotide variant.
Coding change: c.101675T>C on transcript NM_001267550.2 (MANE Select); coding-DNA position 101675, T replaced by C.
Protein change: p.Phe33892Ser; replaces phenylalanine 33892 with serine.
Molecular consequence: missense variant.
Genome position (GRCh38, 1-based): chr2:178,534,940, A>G on the plus strand (T>C on the coding strand, the complement: TTN is on the minus strand). VCF-style: chr2-178534940-A-G. GRCh37 (hg19) VCF-style: chr2-179399667-A-G.
Other names: c.96752T>C, p.Phe32251Ser (NM_001256850.1); c.74480T>C, p.Phe24827Ser (NM_003319.4); c.93971T>C, p.Phe31324Ser (NM_133378.4); c.74855T>C, p.Phe24952Ser (NM_133432.3); c.75056T>C, p.Phe25019Ser (NM_133437.4); short protein forms F24952S, F25019S, F32251S, F33892S, F24827S, F31324S.
Identifiers: ClinVar variation 653759 (VCV000653759.11), dbSNP rs1275405365, ClinGen allele CA349419925.